The following is an entry in ClinVar:

ClinVar aggregate classification (germline): Uncertain significance. Review status: criteria provided, multiple submitters, no conflicts (2 of 4 stars). 2 submissions from 2 submitters: Uncertain significance (2). Last evaluated 2026-03-24.

Allele frequency attached by ClinVar (database versions not stated): gnomAD 0.00004; gnomAD exomes 0.00004 and 0.00007; TOPMed 0.00005; ExAC 0.00015.
gnomAD v4.1: 101 of 1,550,346 alleles (0.0065%); highest among the groups gnomAD compares: Middle Eastern, 0.034%; no homozygotes.

Submissions (2):

Women's Health and Genetics/Laboratory Corporation of America, LabCorp
Classification: Uncertain significance. Last evaluated: 2026-03-24. Review status: criteria provided, single submitter. Criteria: LabCorp Variant Classification Summary - May 2015. Collection method: clinical testing. Allele origin: germline.
Comment: Variant summary: GHRHR c.8G>A (p.Arg3His) results in a non-conservative amino acid change in the encoded protein sequence. Algorithms developed to predict the effect of missense changes on protein structure and function are either unavailable or do not agree on the potential impact of this missense change. The variant allele was found at a frequency of 3.9e-05 in 155170 control chromosomes. The available data on variant occurrences in the general population are insufficient to allow any conclusion about variant significance. To our knowledge, no occurrence of c.8G>A in individuals affected with GHRHR-related conditions and no experimental evidence demonstrating its impact on protein function have been reported. ClinVar contains an entry for this variant (Variation ID: 1420884). Based on the evidence outlined above, the variant was classified as uncertain significance.

Labcorp Genetics (formerly Invitae), Labcorp
Classification: Uncertain significance. Last evaluated: 2022-07-26. Review status: criteria provided, single submitter. Criteria: Invitae Variant Classification Sherloc (09022015). Collection method: clinical testing. Allele origin: germline.
Comment: This sequence change replaces arginine, which is basic and polar, with histidine, which is basic and polar, at codon 3 of the GHRHR protein (p.Arg3His). The frequency data for this variant in the population databases is considered unreliable, as metrics indicate poor data quality at this position in the gnomAD database. This variant has not been reported in the literature in individuals affected with GHRHR-related conditions. ClinVar contains an entry for this variant (Variation ID: 1420884). Algorithms developed to predict the effect of missense changes on protein structure and function (SIFT, PolyPhen-2, Align-GVGD) all suggest that this variant is likely to be tolerated. In summary, the available evidence is currently insufficient to determine the role of this variant in disease. Therefore, it has been classified as a Variant of Uncertain Significance.

NM_000823.4(GHRHR):c.8G>A (p.Arg3His)

Gene: GHRHR (growth hormone releasing hormone receptor; plus strand). Cytogenetic location: 7p14.3.
Variant type: single nucleotide variant.
Coding change: c.8G>A on transcript NM_000823.4 (MANE Select); coding-DNA position 8, G replaced by A.
Protein change: p.Arg3His; replaces arginine 3 with histidine.
Molecular consequence: missense variant.
Genome position (GRCh38, 1-based): chr7:30,964,076, G>A. VCF-style: chr7-30964076-G-A. GRCh37 (hg19) VCF-style: chr7-31003691-G-A.
Other names: short protein forms R3H.
Identifiers: ClinVar variation 1420884 (VCV001420884.4), dbSNP rs768888026, ClinGen allele CA4208368.